The following is an entry in ClinVar:

NM_032043.3(BRIP1):c.532del (p.Thr178fs)

Gene: BRIP1 (BRCA1 interacting DNA helicase 1; minus strand). Cytogenetic location: 17q23.2.
Variant type: Deletion.
Coding change: c.532del on transcript NM_032043.3 (MANE Select); coding-DNA position 532, one base deleted (A; older notation c.532delA).
Protein change: p.Thr178fs; shifts the reading frame from threonine 178.
Molecular consequence: frameshift variant.
Genome position (GRCh38, 1-based): chr17:61,847,196, T deleted on the plus strand (A on the coding strand, the reverse complement: BRIP1 is on the minus strand); the first of 2 consecutive T bases (chr17:61,847,196-61,847,197); deleting either gives the same sequence. VCF-style (leftmost placement, unchanged base first): chr17-61847195-GT-G. GRCh37 (hg19) VCF-style: chr17-59924556-GT-G.
Other names: c.532delA (NM_032043.2); short protein forms T178fs.
Identifiers: ClinVar variation 2945589 (VCV002945589.4), dbSNP rs2545407375, ClinGen allele CA2576345206.
Genomic context (GRCh38, chr17:61,847,195, plus strand): 5'-GGAGAGTTGAGTTTTACAGTCTTTCCTGAATCAACTTTTGCATCCAAATTGTGTACTTCT[GT>G]TCCAAAGCAATGACGTTTTCTAATCTGTAAACACAGAACCAAAATGAAGTTTAAGGTGAA-3'

ClinVar aggregate classification (germline): Pathogenic. Review status: criteria provided, multiple submitters, no conflicts (2 of 4 stars). 2 submissions from 2 submitters: Pathogenic (2). Last evaluated 2026-07-29.

Conditions:
Familial cancer of breast. Also called: Hereditary breast cancer; hereditary breast carcinoma; BREAST CANCER, FAMILIAL. Identifiers: Orphanet 227535, MedGen C0346153, MONDO:0016419, OMIM 114480. Disease mechanism: loss of function.
Fanconi anemia complementation group J. Also called: BRIP1-Related Fanconi Anemia. Identifiers: Orphanet 84, MedGen C1836860, MONDO:0012187, OMIM 609054.
Hereditary cancer-predisposing syndrome. Also called: Hereditary Cancer Syndrome; Hereditary neoplastic syndrome; Neoplastic Syndromes, Hereditary; Tumor predisposition. Identifiers: Orphanet 140162, MedGen C0027672, MeSH D009386, MONDO:0015356.

Submissions (2):

Ambry Genetics
Classification: Pathogenic for Hereditary cancer-predisposing syndrome. Last evaluated: 2026-07-29. Review status: criteria provided, single submitter. Criteria: Ambry Variant Classification Scheme 2023. Collection method: clinical testing. Allele origin: germline.
Comment: The c.532delA pathogenic mutation, located in coding exon 5 of the BRIP1 gene, results from a deletion of one nucleotide at nucleotide position 532, causing a translational frameshift with a predicted alternate stop codon (p.T178Qfs*16). This variant is considered to be rare based on population cohorts in the Genome Aggregation Database (gnomAD). This alteration is expected to result in loss of function by premature protein truncation or nonsense-mediated mRNA decay. As such, this alteration is interpreted as a disease-causing mutation.

Labcorp Genetics (formerly Invitae), Labcorp
Classification: Pathogenic for Familial cancer of breast; Fanconi anemia complementation group J. Last evaluated: 2023-03-21. Review status: criteria provided, single submitter. Criteria: Invitae Variant Classification Sherloc (09022015). Collection method: clinical testing. Allele origin: germline.
Comment: This sequence change creates a premature translational stop signal (p.Thr178Glnfs*16) in the BRIP1 gene. It is expected to result in an absent or disrupted protein product. Loss-of-function variants in BRIP1 are known to be pathogenic (PMID: 16116423, 17033622, 21964575). For these reasons, this variant has been classified as Pathogenic. This variant has not been reported in the literature in individuals affected with BRIP1-related conditions. This variant is not present in population databases (gnomAD no frequency).

Literature cited by the submitters: PubMed 16116423 (cited by Labcorp Genetics (formerly Invitae), Labcorp); PubMed 17033622 (cited by Labcorp Genetics (formerly Invitae), Labcorp); PubMed 21964575 (cited by Labcorp Genetics (formerly Invitae), Labcorp).